The following is an entry in ClinVar:

ClinVar aggregate classification (germline): Uncertain significance (1 of 4 stars; one submission).

Submission:

Medical Genetic Center, Changzhi Maternal and Child Health Care Hospital
Classification: Uncertain significance. Last evaluated: 2025-12-10. Review status: criteria provided, single submitter. Criteria: ACMG/ClinGen CNV Guidelines, 2019. Collection method: clinical testing. Allele origin: unknown.
Comment: STRC deletion cariirer

GRCh38/hg38 15q15.3(chr15:43596993-43700429)x1

Genes: CATSPER2 (cation channel sperm associated 2; minus strand), CKMT1A (creatine kinase, mitochondrial 1A; plus strand), CKMT1B (creatine kinase, mitochondrial 1B; plus strand), STRC (stereocilin; minus strand), LOC130056948 (ATAC-STARR-seq lymphoblastoid active region 9316; plus strand) and 1 more. Cytogenetic location: 15q15.3.
Variant type: copy number loss.
Change: copy number 1 (one copy instead of two) of chr15:43,596,993-43,700,429 (103.4 kb, GRCh38 coordinates, 1-based), cytogenetic band 15q15.3.
Identifiers: ClinVar variation 4796035 (VCV004796035.1).